The following is an entry in ClinVar:

ClinVar aggregate classification (germline): Uncertain significance. Review status: criteria provided, multiple submitters, no conflicts (2 of 4 stars). 2 submissions from 2 submitters: Uncertain significance (2). Last evaluated 2025-06-18.

Submissions (2):

Ambry Genetics
Classification: Uncertain significance. Last evaluated: 2025-06-18. Review status: criteria provided, single submitter. Criteria: Ambry Variant Classification Scheme 2023. Collection method: clinical testing. Allele origin: germline.

Labcorp Genetics (formerly Invitae), Labcorp
Classification: Uncertain significance. Last evaluated: 2025-02-25. Review status: criteria provided, single submitter. Criteria: Invitae Variant Classification Sherloc (09022015). Collection method: clinical testing. Allele origin: germline.
Comment: This sequence change replaces cysteine, which is neutral and slightly polar, with arginine, which is basic and polar, at codon 323 of the STAT4 protein (p.Cys323Arg). This variant is not present in population databases (gnomAD no frequency). This variant has not been reported in the literature in individuals affected with STAT4-related conditions. An algorithm developed to predict the effect of missense changes on protein structure and function (PolyPhen-2) suggests that this variant is likely to be disruptive. In summary, the available evidence is currently insufficient to determine the role of this variant in disease. Therefore, it has been classified as a Variant of Uncertain Significance.

NM_003151.4(STAT4):c.967T>C (p.Cys323Arg)

Gene: STAT4 (signal transducer and activator of transcription 4; minus strand). Cytogenetic location: 2q32.2.
Variant type: single nucleotide variant.
Coding change: c.967T>C on transcript NM_003151.4 (MANE Select); coding-DNA position 967, T replaced by C.
Protein change: p.Cys323Arg; replaces cysteine 323 with arginine.
Molecular consequence: missense variant.
Genome position (GRCh38, 1-based): chr2:191,061,796, A>G on the plus strand (T>C on the coding strand, the complement: STAT4 is on the minus strand). VCF-style: chr2-191061796-A-G. GRCh37 (hg19) VCF-style: chr2-191926522-A-G.
Other names: c.967T>C, p.Cys323Arg (NM_001243835.2); short protein forms C323R.
Identifiers: ClinVar variation 4176398 (VCV004176398.2).